The following is an entry in ClinVar:

ClinVar aggregate classification (germline): Benign/Likely benign. Review status: criteria provided, multiple submitters, no conflicts (2 of 4 stars). 3 submissions from 3 submitters: Benign (1); Likely benign (2). Last evaluated 2024-05-10.

Conditions:
Familial cancer of breast. Also called: Hereditary breast cancer; BREAST CANCER, FAMILIAL; hereditary breast carcinoma. Identifiers: Orphanet 227535, MedGen C0346153, MONDO:0016419, OMIM 114480. Disease mechanism: loss of function.
Ataxia-telangiectasia syndrome (AT). Also called: Ataxia telangiectasia (A-T); Cerebello-oculocutaneous telangiectasia; Immunodeficiency with ataxia telangiectasia; LOUIS-BAR SYNDROME; ATAXIA-TELANGIECTASIA, FRESNO VARIANT; Ataxia-telangiectasia, complementation group D. Identifiers: Orphanet 100, MedGen C0004135, MONDO:0008840, OMIM 208900.
Hereditary cancer-predisposing syndrome. Also called: Tumor predisposition; Hereditary Cancer Syndrome; Neoplastic Syndromes, Hereditary; Hereditary neoplastic syndrome. Identifiers: Orphanet 140162, MedGen C0027672, MeSH D009386, MONDO:0015356.

Submissions (3):

Myriad Genetics, Inc.
Classification: Benign for Familial cancer of breast. Last evaluated: 2024-05-10. Review status: criteria provided, single submitter. Criteria: Myriad Autosomal Dominant, Autosomal Recessive and X-Linked Classification Criteria (2023). Collection method: clinical testing. Allele origin: unknown.
Comment: This variant is considered benign. This variant is a silent/synonymous amino acid change and it is not expected to impact splicing.

Labcorp Genetics (formerly Invitae), Labcorp
Classification: Likely benign for Ataxia-telangiectasia syndrome. Last evaluated: 2024-04-29. Review status: criteria provided, single submitter. Criteria: Invitae Variant Classification Sherloc (09022015). Collection method: clinical testing. Allele origin: germline.

Ambry Genetics
Classification: Likely benign for Hereditary cancer-predisposing syndrome. Last evaluated: 2019-08-13. Review status: criteria provided, single submitter. Criteria: Ambry Variant Classification Scheme 2023. Collection method: clinical testing. Allele origin: germline.

NM_000051.4(ATM):c.2658T>C (p.Ala886=)

Gene: ATM (ATM serine/threonine kinase; plus strand). Cytogenetic location: 11q22.3.
Variant type: single nucleotide variant.
Coding change: c.2658T>C on transcript NM_000051.4 (MANE Select); coding-DNA position 2658, T replaced by C.
Protein change: p.Ala886=; no amino-acid change (alanine 886 retained).
Molecular consequence: synonymous variant.
Genome position (GRCh38, 1-based): chr11:108,268,429, T>C. VCF-style: chr11-108268429-T-C. GRCh37 (hg19) VCF-style: chr11-108139156-T-C.
Other names: c.2658T>C, p.Ala886= (NM_001351834.2).
Identifiers: ClinVar variation 764136 (VCV000764136.13), dbSNP rs1591593665, ClinGen allele CA476673763.